The following is an entry in ClinVar:

NM_000195.5(HPS1):c.601C>T (p.Arg201Trp)

Gene: HPS1 (HPS1 biogenesis of lysosomal organelles complex 3 subunit 1; minus strand). Cytogenetic location: 10q24.2.
Variant type: single nucleotide variant.
Coding change: c.601C>T on transcript NM_000195.5 (MANE Select); coding-DNA position 601, C replaced by T.
Protein change: p.Arg201Trp; replaces arginine 201 with tryptophan.
Molecular consequence: missense variant. On other transcripts: 5 prime UTR variant (3), intron variant (5).
Genome position (GRCh38, 1-based): chr10:98,431,198, G>A on the plus strand (C>T on the coding strand, the complement: HPS1 is on the minus strand). VCF-style: chr10-98431198-G-A. GRCh37 (hg19) VCF-style: chr10-100190955-G-A.
Other names: c.601C>T (NM_000195.3); c.-273C>T (NM_001311345.2, NM_001322489.2); c.601C>T, p.Arg201Trp (NM_001322476.2, NM_001322477.2, NM_001322478.2 and 3 more transcripts); c.232C>T, p.Arg78Trp (NM_001322483.2, NM_001322484.2, NM_001322485.2); c.-372C>T (NM_001322487.2); c.408-528C>T (NM_001322480.2, NM_001322482.2, NM_001322481.2); c.551-528C>T (NM_001322492.2, NM_001322490.2); short protein forms R201W, R78W.
Identifiers: ClinVar variation 2064591 (VCV002064591.2), dbSNP rs995101971, ClinGen allele CA212767378.

ClinVar aggregate classification (germline): Uncertain significance. Review status: criteria provided, multiple submitters, no conflicts (2 of 4 stars). 2 submissions from 2 submitters: Uncertain significance (2). Last evaluated 2025-12-22.

Conditions:
Inborn genetic diseases. Identifiers: MedGen C0950123, MeSH D030342.

Allele frequency attached by ClinVar (database versions not stated): TOPMed 0.00002.
gnomAD v4.1: 9 of 1,614,054 alleles (0.00056%); highest among the groups gnomAD compares: East Asian, 0.0022%; no homozygotes.

Submissions (2):

Ambry Genetics
Classification: Uncertain significance for Inborn genetic diseases. Last evaluated: 2025-12-22. Review status: criteria provided, single submitter. Criteria: Ambry Variant Classification Scheme 2023. Collection method: clinical testing. Allele origin: germline.

Labcorp Genetics (formerly Invitae), Labcorp
Classification: Uncertain significance. Last evaluated: 2021-08-31. Review status: criteria provided, single submitter. Criteria: Invitae Variant Classification Sherloc (09022015). Collection method: clinical testing. Allele origin: germline.
Comment: This sequence change replaces arginine with tryptophan at codon 201 of the HPS1 protein (p.Arg201Trp). The arginine residue is moderately conserved and there is a moderate physicochemical difference between arginine and tryptophan. This variant is not present in population databases (ExAC no frequency). This variant has not been reported in the literature in individuals affected with HPS1-related conditions. Algorithms developed to predict the effect of missense changes on protein structure and function are either unavailable or do not agree on the potential impact of this missense change (SIFT: "Deleterious"; PolyPhen-2: "Probably Damaging"; Align-GVGD: "Class C0"). In summary, the available evidence is currently insufficient to determine the role of this variant in disease. Therefore, it has been classified as a Variant of Uncertain Significance.